The following is an entry in ClinVar:

NM_000170.3(GLDC):c.2516A>G (p.Tyr839Cys)

Gene: GLDC (glycine decarboxylase; minus strand). Cytogenetic location: 9p24.1.
Variant type: single nucleotide variant.
Coding change: c.2516A>G on transcript NM_000170.3 (MANE Select); coding-DNA position 2516, A replaced by G.
Protein change: p.Tyr839Cys; replaces tyrosine 839 with cysteine.
Molecular consequence: missense variant.
Genome position (GRCh38, 1-based): chr9:6,550,856, T>C on the plus strand (A>G on the coding strand, the complement: GLDC is on the minus strand). VCF-style: chr9-6550856-T-C. GRCh37 (hg19) VCF-style: chr9-6550856-T-C.
Other names: short protein forms Y839C.
Identifiers: ClinVar variation 2136734 (VCV002136734.11), dbSNP rs1817497974, ClinGen allele CA372876132.

ClinVar aggregate classification (germline): Conflicting classifications of pathogenicity. Review status: criteria provided, conflicting classifications (1 of 4 stars). 5 submissions from 5 submitters: Pathogenic (1); Likely pathogenic (3); Uncertain significance (1). Last evaluated 2025-10-01.

Conditions:
Glycine encephalopathy 1 (GCE1). Identifiers: MedGen CN376801, MONDO:0958179, OMIM 605899.
Glycine encephalopathy. Also called: Non-ketotic hyperglycinemia; Nonketotic hyperglycinemia. Identifiers: Orphanet 407, MedGen C0751748, MONDO:0011612, HP:0008288.

Submissions (5):

Women's Health and Genetics/Laboratory Corporation of America, LabCorp
Classification: Uncertain significance. Last evaluated: 2025-10-01. Review status: criteria provided, single submitter. Criteria: LabCorp Variant Classification Summary - May 2015. Collection method: clinical testing. Allele origin: germline.
Comment: Variant summary: GLDC c.2516A>G (p.Tyr839Cys) results in a non-conservative amino acid change located in the glycine dehydrogenase, C-terminal domain (IPR049316) of the encoded protein sequence. Algorithms developed to predict the effect of missense changes on protein structure and function all suggest that this variant is likely to be disruptive. The variant was absent in 251488 control chromosomes. The available data on variant occurrences in the general population are insufficient to allow any conclusion about variant significance. c.2516A>G has been observed in at least one compound heterozygous individual affected with Glycine Encephalopathy (Non-Ketotic Hyperglycinemia) (e.g., Liu_2017). These data do not allow any conclusion about variant significance. To our knowledge, no experimental evidence demonstrating an impact on protein function has been reported. The following publication has been ascertained in the context of this evaluation (PMID: 28737873) ClinVar contains an entry for this variant (Variation ID: 2136734). Based on the evidence outlined above, the variant was classified as uncertain significance.

Natera, Inc.
Classification: Likely pathogenic for Non-ketotic hyperglycinemia. Last evaluated: 2025-03-11. Review status: criteria provided, single submitter. Criteria: Natera Variant Classification Schema (03/2026). Collection method: clinical testing. Allele origin: germline.
Comment: The c.2516A>G variant in GLDC is a missense variant predicted to cause substitution of tyrosine to cysteine at amino acid 839. This variant is rare in the general population with a frequency below the threshold expected for the associated phenotype(s). This variant has been observed in one or more individuals affected with the associated recessive disease, as either homozygous or compound heterozygous with a second variant (PMID: 28737873). This variant has been identified in one or more affected individuals with a phenotype highly consistent with the associated gene (PMID: 28737873). Computational prediction algorithms indicate this variant is likely to affect gene or protein function. Given the available evidence, this variant is classified as Likely Pathogenic.

Fulgent Genetics
Classification: Likely pathogenic for Glycine encephalopathy 1. Last evaluated: 2024-03-18. Review status: criteria provided, single submitter. Criteria: ACMG Guidelines, 2015. Collection method: clinical testing. Allele origin: germline.

Labcorp Genetics (formerly Invitae), Labcorp
Classification: Pathogenic for Glycine encephalopathy. Last evaluated: 2022-01-18. Review status: criteria provided, single submitter. Criteria: Invitae Variant Classification Sherloc (09022015). Collection method: clinical testing. Allele origin: germline.
Comment: For these reasons, this variant has been classified as Pathogenic. Advanced modeling of protein sequence and biophysical properties (such as structural, functional, and spatial information, amino acid conservation, physicochemical variation, residue mobility, and thermodynamic stability) performed at Invitae indicates that this missense variant is expected to disrupt GLDC protein function. This missense change has been observed in individual(s) with non-ketotic hyperglycinemia (PMID: 28737873). In at least one individual the data is consistent with being in trans (on the opposite chromosome) from a pathogenic variant. This variant is not present in population databases (gnomAD no frequency). This sequence change replaces tyrosine, which is neutral and polar, with cysteine, which is neutral and slightly polar, at codon 839 of the GLDC protein (p.Tyr839Cys).

3billion
Classification: Likely pathogenic for Glycine encephalopathy 1. Review status: criteria provided, single submitter. Criteria: ACMG Guidelines, 2015. Collection method: clinical testing. Allele origin: unknown. Affected: yes. Observed: 1 heterozygote.
Comment: The variant is not observed in the gnomAD v2.1.1 dataset. In silico tool predictions suggest damaging effect of the variant on gene or gene product (REVEL: 0.97; 3Cnet: 0.97). Same nucleotide change resulting in same amino acid change has been previously reported to be associated with GLDC related disorder, and the variant has been reported to be in trans with a pathogenic variant as either compound heterozygous or homozygous in at least one similarly affected unrelated individual (PMID: 28737873). Therefore, this variant is classified as Likely pathogenic according to the recommendation of ACMG/AMP guideline.

Literature cited by the submitters: PubMed 28737873 (cited by 4 submitters).